The following is an entry in ClinVar:

NM_021930.6(RINT1):c.782C>G (p.Pro261Arg)

Gene: RINT1 (RAD50 interactor 1; plus strand). Cytogenetic location: 7q22.3.
Variant type: single nucleotide variant.
Coding change: c.782C>G on transcript NM_021930.6 (MANE Select); coding-DNA position 782, C replaced by G.
Protein change: p.Pro261Arg; replaces proline 261 with arginine.
Molecular consequence: missense variant. On other transcripts: 5 prime UTR variant (2), non-coding transcript variant (1), intron variant (1).
Genome position (GRCh38, 1-based): chr7:105,547,276, C>G. VCF-style: chr7-105547276-C-G. GRCh37 (hg19) VCF-style: chr7-105187723-C-G.
Other names: c.548C>G, p.Pro183Arg (NM_001346599.2); c.-238C>G (NM_001346600.2); c.-141C>G (NM_001346601.2); c.-27-2779C>G (NM_001346603.2); short protein forms P183R, P261R.
Identifiers: ClinVar variation 1056262 (VCV001056262.12), dbSNP rs199535472, ClinGen allele CA368806369.

ClinVar aggregate classification (germline): Uncertain significance. Review status: criteria provided, multiple submitters, no conflicts (2 of 4 stars). 2 submissions from 2 submitters: Uncertain significance (2). Last evaluated 2024-04-14.

Submissions (2):

Ambry Genetics
Classification: Uncertain significance. Last evaluated: 2024-04-14. Review status: criteria provided, single submitter. Criteria: Ambry Variant Classification Scheme 2023. Collection method: clinical testing. Allele origin: germline.
Comment: The p.P261R variant (also known as c.782C>G), located in coding exon 6 of the RINT1 gene, results from a C to G substitution at nucleotide position 782. The proline at codon 261 is replaced by arginine, an amino acid with dissimilar properties. This amino acid position is conserved. In addition, this alteration is predicted to be tolerated by in silico analysis. Since supporting evidence is limited at this time, the clinical significance of this alteration remains unclear.

Labcorp Genetics (formerly Invitae), Labcorp
Classification: Uncertain significance. Last evaluated: 2020-06-10. Review status: criteria provided, single submitter. Criteria: Invitae Variant Classification Sherloc (09022015). Collection method: clinical testing. Allele origin: germline.
Comment: This variant is not present in population databases (ExAC no frequency). This variant has not been reported in the literature in individuals with RINT1-related conditions. Algorithms developed to predict the effect of missense changes on protein structure and function (SIFT, PolyPhen-2, Align-GVGD) all suggest that this variant is likely to be tolerated, but these predictions have not been confirmed by published functional studies and their clinical significance is uncertain. In summary, the available evidence is currently insufficient to determine the role of this variant in disease. Therefore, it has been classified as a Variant of Uncertain Significance. This sequence change replaces proline with arginine at codon 261 of the RINT1 protein (p.Pro261Arg). The proline residue is weakly conserved and there is a moderate physicochemical difference between proline and arginine.